The following is an entry in ClinVar:

ClinVar aggregate classification (germline): Uncertain significance (1 of 4 stars; one submission).

Conditions:
Hereditary cancer-predisposing syndrome. Also called: Neoplastic Syndromes, Hereditary; Tumor predisposition; Hereditary Cancer Syndrome; Hereditary neoplastic syndrome. Identifiers: Orphanet 140162, MedGen C0027672, MeSH D009386, MONDO:0015356.

Submission:

Ambry Genetics
Classification: Uncertain significance for Hereditary cancer-predisposing syndrome. Last evaluated: 2020-06-26. Review status: criteria provided, single submitter. Criteria: Ambry Variant Classification Scheme 2023. Collection method: clinical testing. Allele origin: germline.
Comment: The p.C53G variant (also known as c.157T>G), located in coding exon 2 of the RAD50 gene, results from a T to G substitution at nucleotide position 157. The cysteine at codon 53 is replaced by glycine, an amino acid with highly dissimilar properties. This amino acid position is not well conserved in available vertebrate species. In addition, this alteration is predicted to be tolerated by in silico analysis. Since supporting evidence is limited at this time, the clinical significance of this alteration remains unclear.

NM_005732.4(RAD50):c.157T>G (p.Cys53Gly)

Gene: RAD50 (RAD50 double strand break repair protein; plus strand). Cytogenetic location: 5q31.1.
Variant type: single nucleotide variant.
Coding change: c.157T>G on transcript NM_005732.4 (MANE Select); coding-DNA position 157, T replaced by G.
Protein change: p.Cys53Gly; replaces cysteine 53 with glycine.
Molecular consequence: missense variant.
Genome position (GRCh38, 1-based): chr5:132,559,311, T>G. VCF-style: chr5-132559311-T-G. GRCh37 (hg19) VCF-style: chr5-131895003-T-G.
Other names: short protein forms C53G.
Identifiers: ClinVar variation 1775677 (VCV001775677.2), dbSNP rs2479579644, ClinGen allele CA360953368.
Genomic context (GRCh38, chr5:132,559,311, plus strand): 5'-ATAACGAAATAATGTAATTTTCTATTTCTTTAGACCATCATTGAATGTCTAAAATATATT[T>G]GTACTGGAGATTTCCCTCCTGGAACCAAAGGAAATACATTTGTACACGATCCCAAGGTAA-3'
Protein context (NP_005723.2, residues 43-63): TTIIECLKYI[Cys53Gly]TGDFPPGTKG